The following is an entry in ClinVar:

NM_001853.4(COL9A3):c.529A>G (p.Ile177Val)

Gene: COL9A3 (collagen type IX alpha 3 chain; plus strand). Cytogenetic location: 20q13.33.
Variant type: single nucleotide variant.
Coding change: c.529A>G on transcript NM_001853.4 (MANE Select); coding-DNA position 529, A replaced by G.
Protein change: p.Ile177Val; replaces isoleucine 177 with valine.
Molecular consequence: missense variant.
Genome position (GRCh38, 1-based): chr20:62,824,454, A>G. VCF-style: chr20-62824454-A-G. GRCh37 (hg19) VCF-style: chr20-61455806-A-G.
Other names: short protein forms I177V.
Identifiers: ClinVar variation 1895748 (VCV001895748.5), dbSNP rs1398782316, ClinGen allele CA409590588.

ClinVar aggregate classification (germline): Uncertain significance (1 of 4 stars; one submission).

Allele frequency attached by ClinVar (database versions not stated): gnomAD 0.00001; TOPMed 0.00001.
gnomAD v4.1: 3 of 1,602,174 alleles (0.00019%); highest among the groups gnomAD compares: African/African-American, 0.0013%; no homozygotes.

Submission:

Labcorp Genetics (formerly Invitae), Labcorp
Classification: Uncertain significance. Last evaluated: 2024-09-16. Review status: criteria provided, single submitter. Criteria: Invitae Variant Classification Sherloc (09022015). Collection method: clinical testing. Allele origin: germline.
Comment: This sequence change replaces isoleucine, which is neutral and non-polar, with valine, which is neutral and non-polar, at codon 177 of the COL9A3 protein (p.Ile177Val). The frequency data for this variant in the population databases is considered unreliable, as metrics indicate poor data quality at this position in the gnomAD database. This variant has not been reported in the literature in individuals affected with COL9A3-related conditions. ClinVar contains an entry for this variant (Variation ID: 1895748). Invitae Evidence Modeling of protein sequence and biophysical properties (such as structural, functional, and spatial information, amino acid conservation, physicochemical variation, residue mobility, and thermodynamic stability) indicates that this missense variant is not expected to disrupt COL9A3 protein function with a negative predictive value of 95%. In summary, the available evidence is currently insufficient to determine the role of this variant in disease. Therefore, it has been classified as a Variant of Uncertain Significance.